The following is an entry in ClinVar:

ClinVar aggregate classification (germline): Uncertain significance (1 of 4 stars; one submission).

Submission:

CeGaT Center for Human Genetics Tuebingen
Classification: Uncertain significance. Last evaluated: 2024-06-01. Review status: criteria provided, single submitter. Criteria: CeGaT Center For Human Genetics Tuebingen Variant Classification Criteria Version 2. Collection method: clinical testing. Allele origin: germline. Affected: yes. Observed: 1 variant allele.
Comment: SCN2A: PP3

NM_001371246.1(SCN2A):c.608A>G (p.Tyr203Cys)

Gene: SCN2A (sodium voltage-gated channel alpha subunit 2; plus strand). Cytogenetic location: 2q24.3.
Variant type: single nucleotide variant.
Coding change: c.608A>G on transcript NM_001371246.1 (MANE Plus Clinical); coding-DNA position 608, A replaced by G.
Protein change: p.Tyr203Cys; replaces tyrosine 203 with cysteine.
Molecular consequence: missense variant. On other transcripts: intron variant (3).
Genome position (GRCh38, 1-based): chr2:165,309,167, A>G. VCF-style: chr2-165309167-A-G. GRCh37 (hg19) VCF-style: chr2-166165677-A-G.
Other names: c.606-185A>G (NM_001040142.2, NM_001371247.1, NM_021007.3); c.608A>G, p.Tyr203Cys (NM_001040143.2); short protein forms Y203C.
Identifiers: ClinVar variation 3251044 (VCV003251044.18), dbSNP rs778696534.